The following is an entry in ClinVar:

NM_001164508.2(NEB):c.3382A>T (p.Lys1128Ter)

Gene: NEB (nebulin; minus strand). Cytogenetic location: 2q23.3.
Variant type: single nucleotide variant.
Coding change: c.3382A>T on transcript NM_001164508.2 (MANE Select); coding-DNA position 3382, A replaced by T.
Protein change: p.Lys1128Ter; replaces lysine 1128 with a stop codon.
Molecular consequence: nonsense.
Genome position (GRCh38, 1-based): chr2:151,678,061, T>A on the plus strand (A>T on the coding strand, the complement: NEB is on the minus strand). VCF-style: chr2-151678061-T-A. GRCh37 (hg19) VCF-style: chr2-152534575-T-A.
Other names: c.3382A>T, p.Lys1128Ter (NM_001164507.2, NM_001271208.2, NM_004543.5); short protein forms K1128*.
Identifiers: ClinVar variation 1724558 (VCV001724558.2), dbSNP rs1231521376, ClinGen allele CA348819238.
Genomic context (GRCh38, chr2:151,678,061, plus strand): 5'-CCACGACATTGAACATATCATGGGGCGTGTTGTATTTGGACTTTGTCTTCTCATAGTCTT[T>A]TTTATACTCCCGATCTGATTGTATCTTGGCCACGTTCATATAATGAACCAGTTTAGGGTC-3'

ClinVar aggregate classification (germline): Likely pathogenic (1 of 4 stars; one submission).

Conditions:
Nemaline myopathy 2 (NEM2). Also called: Nemaline myopathy 2, autosomal recessive. Identifiers: MedGen C1850569, MONDO:0009725, OMIM 256030.

Submission:

Myriad Genetics, Inc.
Classification: Likely pathogenic for Nemaline myopathy 2. Last evaluated: 2022-02-19. Review status: criteria provided, single submitter. Criteria: Myriad Women's Health Autosomal Recessive and X-Linked Classification Criteria (2021). Collection method: clinical testing. Allele origin: unknown.
Comment: NM_001271208.1(NEB):c.3382A>T(K1128*) is expected to be pathogenic in the context of NEB-related nemaline myopathy. This variant is predicted to lead to an abnormal or absent protein product due to the creation of a premature termination codon in NEB, a gene where loss-of-function variants are known to be pathogenic. Please note: this variant was assessed in the context of healthy population screening.